The following is an entry in ClinVar:

ClinVar aggregate classification (germline): Uncertain significance (1 of 4 stars; one submission).

Conditions:
Primary ciliary dyskinesia. Also called: Ciliary dyskinesia. Identifiers: Orphanet 244, MedGen C0008780, MONDO:0016575, HP:0012265.

gnomAD v4.1: 3 of 1,614,106 alleles (0.00019%); highest among the groups gnomAD compares: Non-Finnish European, 0.00025%; no homozygotes.

Submission:

Labcorp Genetics (formerly Invitae), Labcorp
Classification: Uncertain significance for Primary ciliary dyskinesia. Last evaluated: 2024-03-08. Review status: criteria provided, single submitter. Criteria: Invitae Variant Classification Sherloc (09022015). Collection method: clinical testing. Allele origin: germline.
Comment: This sequence change replaces threonine, which is neutral and polar, with arginine, which is basic and polar, at codon 1965 of the DNAH5 protein (p.Thr1965Arg). This variant is not present in population databases (gnomAD no frequency). This variant has not been reported in the literature in individuals affected with DNAH5-related conditions. Advanced modeling of protein sequence and biophysical properties (such as structural, functional, and spatial information, amino acid conservation, physicochemical variation, residue mobility, and thermodynamic stability) has been performed at Invitae for this missense variant, however the output from this modeling did not meet the statistical confidence thresholds required to predict the impact of this variant on DNAH5 protein function. In summary, the available evidence is currently insufficient to determine the role of this variant in disease. Therefore, it has been classified as a Variant of Uncertain Significance.

NM_001369.3(DNAH5):c.5894C>G (p.Thr1965Arg)

Gene: DNAH5 (dynein axonemal heavy chain 5; minus strand). Cytogenetic location: 5p15.2.
Variant type: single nucleotide variant.
Coding change: c.5894C>G on transcript NM_001369.3 (MANE Select); coding-DNA position 5894, C replaced by G.
Protein change: p.Thr1965Arg; replaces threonine 1965 with arginine.
Molecular consequence: missense variant.
Genome position (GRCh38, 1-based): chr5:13,830,764, G>C on the plus strand (C>G on the coding strand, the complement: DNAH5 is on the minus strand). VCF-style: chr5-13830764-G-C. GRCh37 (hg19) VCF-style: chr5-13830873-G-C.
Other names: short protein forms T1965R.
Identifiers: ClinVar variation 3603794 (VCV003603794.2).
Genomic context (GRCh38, chr5:13,830,764, plus strand): 5'-CCTGTGCCTGCAGGTCCAGCAGGGGCTCCCCCCATGCTCATTCCCAGAGCTTGAGCCAGC[G>C]TGATGTAACATCTGCATGGGTAGAAACATCACTAGAACCAGCCCTCAGTCACCTGGAAAT-3'
Protein context (NP_001360.1, residues 1955-1975): ITPLTDRCYI[Thr1965Arg]LAQALGMSMG